The following is an entry in ClinVar:

NM_004655.4(AXIN2):c.1998C>A (p.Asn666Lys)

Gene: AXIN2 (axin 2; minus strand). Cytogenetic location: 17q24.1.
Variant type: single nucleotide variant.
Coding change: c.1998C>A on transcript NM_004655.4 (MANE Select); coding-DNA position 1998, C replaced by A.
Protein change: p.Asn666Lys; replaces asparagine 666 with lysine.
Molecular consequence: missense variant.
Genome position (GRCh38, 1-based): chr17:65,536,463, G>T on the plus strand (C>A on the coding strand, the complement: AXIN2 is on the minus strand). VCF-style: chr17-65536463-G-T. GRCh37 (hg19) VCF-style: chr17-63532581-G-T.
Other names: c.1803C>A, p.Asn601Lys (NM_001363813.1); short protein forms N601K, N666K.
Identifiers: ClinVar variation 1008015 (VCV001008015.10), dbSNP rs1460508423, ClinGen allele CA400676183.
Genomic context (GRCh38, chr17:65,536,463, plus strand): 5'-AGGCATCGCAGGGTCCTGGGTGAACAGGTGGGCACGGGGGGTGGTGCGGGGGTGCCCGCT[G>T]TTGCCCCCCCACAGATGGTGCCGGCTGGCTCGTTCGCCTGGAGACGAGCGGGCAGACTCC-3'
Protein context (NP_004646.3, residues 656-676): RASRHHLWGG[Asn666Lys]SGHPRTTPRA

ClinVar aggregate classification (germline): Conflicting classifications of pathogenicity. Review status: criteria provided, conflicting classifications (1 of 4 stars). 2 submissions from 2 submitters: Uncertain significance (1); Likely benign (1). Last evaluated 2024-10-28.

Conditions:
Hereditary cancer-predisposing syndrome. Also called: Tumor predisposition; Hereditary neoplastic syndrome; Neoplastic Syndromes, Hereditary; Hereditary Cancer Syndrome. Identifiers: Orphanet 140162, MedGen C0027672, MeSH D009386, MONDO:0015356.
Oligodontia-cancer predisposition syndrome. Also called: TOOTH AGENESIS-COLORECTAL CANCER SYNDROME. Identifiers: Orphanet 300576, MedGen C1837750, MONDO:0012075, OMIM 608615. Disease mechanism: loss of function.

Allele frequency attached by ClinVar (database versions not stated): TOPMed 0.00002.
gnomAD v4.1: 2 of 1,613,860 alleles (0.00012%); highest among the groups gnomAD compares: African/African-American, 0.0027%; no homozygotes.

Submissions (2):

Ambry Genetics
Classification: Likely benign for Hereditary cancer-predisposing syndrome. Last evaluated: 2024-10-28. Review status: criteria provided, single submitter. Criteria: Ambry Variant Classification Scheme 2023. Collection method: clinical testing. Allele origin: germline.

Labcorp Genetics (formerly Invitae), Labcorp
Classification: Uncertain significance for Oligodontia-cancer predisposition syndrome. Last evaluated: 2024-08-05. Review status: criteria provided, single submitter. Criteria: Invitae Variant Classification Sherloc (09022015). Collection method: clinical testing. Allele origin: germline.
Comment: This sequence change replaces asparagine, which is neutral and polar, with lysine, which is basic and polar, at codon 666 of the AXIN2 protein (p.Asn666Lys). This variant is not present in population databases (gnomAD no frequency). This variant has not been reported in the literature in individuals affected with AXIN2-related conditions. ClinVar contains an entry for this variant (Variation ID: 1008015). Advanced modeling of protein sequence and biophysical properties (such as structural, functional, and spatial information, amino acid conservation, physicochemical variation, residue mobility, and thermodynamic stability) performed at Invitae indicates that this missense variant is not expected to disrupt AXIN2 protein function with a negative predictive value of 80%. In summary, the available evidence is currently insufficient to determine the role of this variant in disease. Therefore, it has been classified as a Variant of Uncertain Significance.